The following is an entry in ClinVar:

NM_005677.4(COLQ):c.1129del (p.Asp377fs)

Gene: COLQ (collagen like tail subunit of asymmetric acetylcholinesterase; minus strand). Cytogenetic location: 3p25.1.
Variant type: Deletion.
Coding change: c.1129del on transcript NM_005677.4 (MANE Select); coding-DNA position 1129, one base deleted (G; older notation c.1129delG).
Protein change: p.Asp377fs; shifts the reading frame from aspartic acid 377.
Molecular consequence: frameshift variant.
Genome position (GRCh38, 1-based): chr3:15,455,965, C deleted on the plus strand (G on the coding strand, the reverse complement: COLQ is on the minus strand); the first of 4 consecutive C bases (chr3:15,455,965-15,455,968); deleting any one gives the same sequence. VCF-style (leftmost placement, unchanged base first): chr3-15455964-TC-T. GRCh37 (hg19) VCF-style: chr3-15497471-TC-T.
Other names: c.1099del, p.Asp367fs (NM_080538.2); c.1027del, p.Asp343fs (NM_080539.4); short protein forms D367fs, D343fs, D377fs.
Identifiers: ClinVar variation 947106 (VCV000947106.10), dbSNP rs1559511788, ClinGen allele CA541360530.
Genomic context (GRCh38, chr3:15,455,964, plus strand): 5'-CAGTCGTCACCCACATCGCTGTTACCGTCGTCACACTCCTCCCCAGGCTGCAGGAGCCCA[TC>T]CCCACAGGTGCCGTGCTGGTCTGCAGTGTAATCCACAGGGTAGAAAGGGGTCAGCTGGCC-3'

ClinVar aggregate classification (germline): Pathogenic/Likely pathogenic. Review status: criteria provided, multiple submitters, no conflicts (2 of 4 stars). 2 submissions from 2 submitters: Pathogenic (1); Likely pathogenic (1). Last evaluated 2025-10-23.

Conditions:
Congenital myasthenic syndrome 5. Identifiers: Orphanet 590, MedGen C1864233, MONDO:0011281, OMIM 603034.

Submissions (2):

Labcorp Genetics (formerly Invitae), Labcorp
Classification: Pathogenic for Congenital myasthenic syndrome 5. Last evaluated: 2025-10-23. Review status: criteria provided, single submitter. Criteria: Invitae Variant Classification Sherloc (09022015). Collection method: clinical testing. Allele origin: germline.
Comment: This sequence change creates a premature translational stop signal (p.Asp377Metfs*49) in the COLQ gene. While this is not anticipated to result in nonsense mediated decay, it is expected to disrupt the last 79 amino acid(s) of the COLQ protein. This variant is present in population databases (no rsID available, gnomAD 0.0009%). This variant has not been reported in the literature in individuals affected with COLQ-related conditions. ClinVar contains an entry for this variant (Variation ID: 947106). This variant disrupts a region of the COLQ protein in which other variant(s) (p.Cys427*) have been determined to be pathogenic (internal data). This suggests that this is a clinically significant region of the protein, and that variants that disrupt it are likely to be disease-causing. For these reasons, this variant has been classified as Pathogenic.

Baylor Genetics
Classification: Likely pathogenic for Congenital myasthenic syndrome 5. Last evaluated: 2023-02-28. Review status: criteria provided, single submitter. Criteria: ACMG Guidelines, 2015. Collection method: clinical testing. Allele origin: unknown.